The following is an entry in ClinVar:

NM_000257.4(MYH7):c.3225G>C (p.Gln1075His)

Gene: MYH7 (myosin heavy chain 7; minus strand). Cytogenetic location: 14q11.2.
Variant type: single nucleotide variant.
Coding change: c.3225G>C on transcript NM_000257.4 (MANE Select); coding-DNA position 3225, G replaced by C.
Protein change: p.Gln1075His; replaces glutamine 1075 with histidine.
Molecular consequence: missense variant.
Genome position (GRCh38, 1-based): chr14:23,422,200, C>G on the plus strand (G>C on the coding strand, the complement: MYH7 is on the minus strand). VCF-style: chr14-23422200-C-G. GRCh37 (hg19) VCF-style: chr14-23891409-C-G.
Other names: c.3225G>C (NM_000257.2); short protein forms Q1075H.
Identifiers: ClinVar variation 1475638 (VCV001475638.9), dbSNP rs767369809, ClinGen allele CA389045120.
Genomic context (GRCh38, chr14:23,422,200, plus strand): 5'-GCTGGGGAGGAGGAAGGGCAGCAGGGAGGGGACACAGTACTTTTTCAGCCGCTCATCCAG[C>G]TGCTGCTTGTCATTCTCCAGGTCCATGATGCTCTCCTGGGTCAGCTTCAGGTCGCCCTCC-3'
Protein context (NP_000248.2, residues 1065-1085): SIMDLENDKQ[Gln1075His]LDERLKKKDF

ClinVar aggregate classification (germline): Uncertain significance. Review status: criteria provided, multiple submitters, no conflicts (2 of 4 stars). 4 submissions from 4 submitters: Uncertain significance (4). Last evaluated 2025-12-15.

Conditions:
Hypertrophic cardiomyopathy. Also called: HYPERTROPHIC MYOCARDIOPATHY. Identifiers: Orphanet 217569, MedGen C0007194, MeSH D002312, MONDO:0005045, HP:0001639.
Cardiovascular phenotype. Identifiers: MedGen CN230736.

Allele frequency attached by ClinVar (database versions not stated): gnomAD 0.00001.
gnomAD v4.1: 1 of 1,613,240 alleles (0.000062%); highest among the groups gnomAD compares: Admixed American, 0.0017%; no homozygotes.

Submissions (4):

Ambry Genetics
Classification: Uncertain significance for Cardiovascular phenotype. Last evaluated: 2025-12-15. Review status: criteria provided, single submitter. Criteria: Ambry Variant Classification Scheme 2023. Collection method: clinical testing. Allele origin: germline.
Comment: The p.Q1075H variant (also known as c.3225G>C), located in coding exon 23 of the MYH7 gene, results from a G to C substitution at nucleotide position 3225. The glutamine at codon 1075 is replaced by histidine, an amino acid with highly similar properties. This amino acid position is highly conserved in available vertebrate species. In addition, the in silico prediction for this alteration is inconclusive. Based on the available evidence, the clinical significance of this variant remains unclear.

GeneDx
Classification: Uncertain significance. Last evaluated: 2025-06-11. Review status: criteria provided, single submitter. Criteria: GeneDx Variant Classification Process June 2021. Collection method: clinical testing. Allele origin: germline. Affected: yes.
Comment: Not observed at significant frequency in large population cohorts (gnomAD); In silico analysis supports that this missense variant has a deleterious effect on protein structure/function; Has not been previously published as pathogenic or benign to our knowledge

Labcorp Genetics (formerly Invitae), Labcorp
Classification: Uncertain significance for Hypertrophic cardiomyopathy. Last evaluated: 2025-01-06. Review status: criteria provided, single submitter. Criteria: Invitae Variant Classification Sherloc (09022015). Collection method: clinical testing. Allele origin: germline.
Comment: This sequence change replaces glutamine, which is neutral and polar, with histidine, which is basic and polar, at codon 1075 of the MYH7 protein (p.Gln1075His). This variant is not present in population databases (gnomAD no frequency). This variant has not been reported in the literature in individuals affected with MYH7-related conditions. ClinVar contains an entry for this variant (Variation ID: 1475638). Invitae Evidence Modeling of protein sequence and biophysical properties (such as structural, functional, and spatial information, amino acid conservation, physicochemical variation, residue mobility, and thermodynamic stability) indicates that this missense variant is expected to disrupt MYH7 protein function with a positive predictive value of 95%. In summary, the available evidence is currently insufficient to determine the role of this variant in disease. Therefore, it has been classified as a Variant of Uncertain Significance.

Blueprint Genetics
Classification: Uncertain significance. Last evaluated: 2019-09-10. Review status: criteria provided, single submitter. Criteria: ACMG Guidelines, 2015. Collection method: clinical testing. Allele origin: germline.